The following is an entry in ClinVar:

ClinVar aggregate classification (germline): Uncertain significance. Review status: criteria provided, multiple submitters, no conflicts (2 of 4 stars). 2 submissions from 2 submitters: Uncertain significance (2). Last evaluated 2024-12-10.

Conditions:
Inborn genetic diseases. Identifiers: MedGen C0950123, MeSH D030342.

gnomAD v4.1: 7 of 1,604,408 alleles (0.00044%); highest among the groups gnomAD compares: Admixed American, 0.0034%; no homozygotes.

Submissions (2):

Ambry Genetics
Classification: Uncertain significance for Inborn genetic diseases. Last evaluated: 2024-12-10. Review status: criteria provided, single submitter. Criteria: Ambry Variant Classification Scheme 2023. Collection method: clinical testing. Allele origin: germline.

Labcorp Genetics (formerly Invitae), Labcorp
Classification: Uncertain significance. Last evaluated: 2023-11-19. Review status: criteria provided, single submitter. Criteria: Invitae Variant Classification Sherloc (09022015). Collection method: clinical testing. Allele origin: germline.
Comment: This sequence change replaces arginine, which is basic and polar, with serine, which is neutral and polar, at codon 468 of the MYH14 protein (p.Arg468Ser). The frequency data for this variant in the population databases is considered unreliable, as metrics indicate poor data quality at this position in the gnomAD database. This variant has not been reported in the literature in individuals affected with MYH14-related conditions. Advanced modeling of protein sequence and biophysical properties (such as structural, functional, and spatial information, amino acid conservation, physicochemical variation, residue mobility, and thermodynamic stability) performed at Invitae indicates that this missense variant is expected to disrupt MYH14 protein function with a positive predictive value of 80%. In summary, the available evidence is currently insufficient to determine the role of this variant in disease. Therefore, it has been classified as a Variant of Uncertain Significance.

NM_001145809.2(MYH14):c.1426C>A (p.Arg476Ser)

Gene: MYH14 (myosin heavy chain 14; plus strand). Cytogenetic location: 19q13.33.
Variant type: single nucleotide variant.
Coding change: c.1426C>A on transcript NM_001145809.2 (MANE Select); coding-DNA position 1426, C replaced by A.
Protein change: p.Arg476Ser; replaces arginine 476 with serine.
Molecular consequence: missense variant.
Genome position (GRCh38, 1-based): chr19:50,249,083, C>A. VCF-style: chr19-50249083-C-A. GRCh37 (hg19) VCF-style: chr19-50752340-C-A.
Other names: c.1402C>A (NM_024729.3); c.1426C>A, p.Arg476Ser (NM_001077186.2); c.1402C>A, p.Arg468Ser (NM_024729.4); short protein forms R476S, R468S.
Identifiers: ClinVar variation 2994078 (VCV002994078.4), dbSNP rs755662126, ClinGen allele CA406959143.
Genomic context (GRCh38, chr19:50,249,083, plus strand): 5'-TACGAGCGCCTCTTCCGCTGGCTGGTTCTGCGCCTCAACCGGGCCTTGGACCGCAGCCCC[C>A]GCCAAGGCGCCTCCTTCCTGGGCATCCTGGACATCGCGGGCTTTGAGATCTTCCAGGTCC-3'
Protein context (NP_001139281.1, residues 466-486): RLNRALDRSP[Arg476Ser]QGASFLGILD